The following is an entry in ClinVar:

ClinVar aggregate classification (germline): Pathogenic (1 of 4 stars; one submission).

Conditions:
Sialuria. Also called: SIALURIA, FRENCH TYPE; Sialic Acid Storage Disease. Identifiers: Orphanet 3166, MedGen C0342853, MONDO:0010028, OMIM 269921.
GNE myopathy (NM). Also called: NONAKA DISTAL MYOPATHY; INCLUSION BODY MYOPATHY, HEREDITARY, AUTOSOMAL RECESSIVE; INCLUSION BODY MYOPATHY 2, AUTOSOMAL RECESSIVE; MYOPATHY, DISTAL, WITH OR WITHOUT RIMMED VACUOLES; IBM 2; Inclusion body myopathy autosomal recessive. Identifiers: Orphanet 602, MedGen C1853926, MONDO:0011603, OMIM 605820.

Submission:

Labcorp Genetics (formerly Invitae), Labcorp
Classification: Pathogenic for Sialuria; GNE myopathy. Last evaluated: 2025-04-20. Review status: criteria provided, single submitter. Criteria: Invitae Variant Classification Sherloc (09022015). Collection method: clinical testing. Allele origin: germline.
Comment: This sequence change creates a premature translational stop signal (p.Ala397Leufs*6) in the GNE gene. It is expected to result in an absent or disrupted protein product. Loss-of-function variants in GNE are known to be pathogenic (PMID: 24027297). This variant is not present in population databases (gnomAD no frequency). This variant has not been reported in the literature in individuals affected with GNE-related conditions. For these reasons, this variant has been classified as Pathogenic.

Literature cited by the submitters: PubMed 24027297.

NM_005476.7(GNE):c.1096del (p.Ala366fs)

Gene: GNE (glucosamine (UDP-N-acetyl)-2-epimerase/N-acetylmannosamine kinase; minus strand). Cytogenetic location: 9p13.3.
Variant type: Deletion.
Coding change: c.1096del on transcript NM_005476.7 (MANE Select); coding-DNA position 1096, one base deleted (G; older notation c.1096delG).
Protein change: p.Ala366fs; shifts the reading frame from alanine 366.
Molecular consequence: frameshift variant.
Genome position (GRCh38, 1-based): chr9:36,227,433, C deleted on the plus strand (G on the coding strand, the reverse complement: GNE is on the minus strand). VCF-style (leftmost placement, unchanged base first): chr9-36227432-GC-G. GRCh37 (hg19) VCF-style: chr9-36227429-GC-G.
Other names: c.1189del, p.Ala397fs (NM_001128227.3); c.1096del, p.Ala366fs (NM_001190383.3); c.766del, p.Ala256fs (NM_001190384.3); c.919del, p.Ala307fs (NM_001190388.2, NM_001374798.1); c.943del, p.Ala315fs (NM_001374797.1); short protein forms A307fs, A315fs, A366fs, A397fs, A256fs.
Identifiers: ClinVar variation 4789225 (VCV004789225.1).